The following is an entry in ClinVar:

NM_015047.3(EMC1):c.1543C>G (p.Gln515Glu)

Genes: EMC1 (ER membrane protein complex subunit 1; minus strand), EMC1-AS1 (EMC1 antisense RNA 1; plus strand). Cytogenetic location: 1p36.13.
Variant type: single nucleotide variant.
Coding change: c.1543C>G on transcript NM_015047.3 (MANE Select); coding-DNA position 1543, C replaced by G.
Protein change: p.Gln515Glu; replaces glutamine 515 with glutamic acid.
Molecular consequence: missense variant.
Genome position (GRCh38, 1-based): chr1:19,233,025, G>C on the plus strand (C>G on the coding strand, the complement: EMC1 is on the minus strand). VCF-style: chr1-19233025-G-C. GRCh37 (hg19) VCF-style: chr1-19559519-G-C.
Other names: c.1540C>G, p.Gln514Glu (NM_001271427.2, NM_001271428.2); c.1477C>G, p.Gln493Glu (NM_001271429.2); c.1552C>G, p.Gln518Glu (NM_001375820.1); c.1549C>G, p.Gln517Glu (NM_001375821.1); short protein forms Q517E, Q515E, Q493E, Q514E, Q518E.
Identifiers: ClinVar variation 2866158 (VCV002866158.3), dbSNP rs1392305968, ClinGen allele CA338762685.
Genomic context (GRCh38, chr1:19,233,025, plus strand): 5'-TCTTCTGGAGGTTGAATTCATCTCTGGCCAGGGTGTCAATGTTGATCTCATTCTTAATCT[G>C]ACTCCGGGGCTTCCGAGCATCATAAAACATTTTCCAGAGGTGGGAAGTCCATGCTTGCAG-3'
Protein context (NP_055862.1, residues 505-525): MFYDARKPRS[Gln515Glu]IKNEINIDTL

ClinVar aggregate classification (germline): Uncertain significance (1 of 4 stars; one submission).

gnomAD v4.1: 1 of 1,614,158 alleles (0.000062%); highest among the groups gnomAD compares: Admixed American, 0.0017%; no homozygotes.

Submission:

Labcorp Genetics (formerly Invitae), Labcorp
Classification: Uncertain significance. Last evaluated: 2023-05-20. Review status: criteria provided, single submitter. Criteria: Invitae Variant Classification Sherloc (09022015). Collection method: clinical testing. Allele origin: germline.
Comment: In summary, the available evidence is currently insufficient to determine the role of this variant in disease. Therefore, it has been classified as a Variant of Uncertain Significance. Advanced modeling of protein sequence and biophysical properties (such as structural, functional, and spatial information, amino acid conservation, physicochemical variation, residue mobility, and thermodynamic stability) performed at Invitae indicates that this missense variant is not expected to disrupt EMC1 protein function. This variant has not been reported in the literature in individuals affected with EMC1-related conditions. This variant is present in population databases (no rsID available, gnomAD 0.003%). This sequence change replaces glutamine, which is neutral and polar, with glutamic acid, which is acidic and polar, at codon 515 of the EMC1 protein (p.Gln515Glu).